The following is an entry in ClinVar:

ClinVar aggregate classification (germline): Conflicting classifications of pathogenicity. Review status: criteria provided, conflicting classifications (1 of 4 stars). 4 submissions from 4 submitters: Uncertain significance (1); Benign (1); Likely benign (2). Last evaluated 2025-10-13.

Conditions:
Jeune thoracic dystrophy. Also called: Jeune syndrome; Infantile thoracic dystrophy; Thoracic pelvic phalangeal dystrophy; Jeune's syndrome; Chondroectodermal dysplasia-like syndrome; Short-rib thoracic dysplasia. Identifiers: Orphanet 474, MedGen C0265275, MONDO:0018770.
Nephronophthisis. Also called: Juvenile Nephronophthisis. Identifiers: Orphanet 655, MedGen C0687120, MONDO:0019005, HP:0000090.

Allele frequency attached by ClinVar (database versions not stated): gnomAD exomes 0.00008; ExAC 0.00012; gnomAD 0.00023 and 0.00025; TOPMed 0.00032; ESP Exome Variant Server 0.00038; 1000 Genomes Project 0.00040; 1000 Genomes Project 30x 0.00047.
gnomAD v4.1: 79 of 1,612,914 alleles (0.0049%); highest among the groups gnomAD compares: African/African-American, 0.1%; no homozygotes.

Submissions (4):

Labcorp Genetics (formerly Invitae), Labcorp
Classification: Likely benign for Jeune thoracic dystrophy; Nephronophthisis. Last evaluated: 2025-10-13. Review status: criteria provided, single submitter. Criteria: Invitae Variant Classification Sherloc (09022015). Collection method: clinical testing. Allele origin: germline.

GeneDx
Classification: Uncertain significance. Last evaluated: 2023-11-15. Review status: criteria provided, single submitter. Criteria: GeneDx Variant Classification Process June 2021. Collection method: clinical testing. Allele origin: germline. Affected: yes.
Comment: In silico analysis supports that this missense variant does not alter protein structure/function; Has not been previously published as pathogenic or benign to our knowledge

Blueprint Genetics
Classification: Benign. Last evaluated: 2023-02-14. Review status: criteria provided, single submitter. Criteria: ACMG Guidelines, 2015. Collection method: clinical testing. Allele origin: germline.

PreventionGenetics, part of Exact Sciences
Classification: Likely benign. Review status: criteria provided, single submitter. Criteria: ACMG Guidelines, 2015. Collection method: clinical testing. Allele origin: germline.

NM_024753.5(TTC21B):c.960C>G (p.Asn320Lys)

Gene: TTC21B (tetratricopeptide repeat domain 21B; minus strand). Cytogenetic location: 2q24.3.
Variant type: single nucleotide variant.
Coding change: c.960C>G on transcript NM_024753.5 (MANE Select); coding-DNA position 960, C replaced by G.
Protein change: p.Asn320Lys; replaces asparagine 320 with lysine.
Molecular consequence: missense variant.
Genome position (GRCh38, 1-based): chr2:165,930,299, G>C on the plus strand (C>G on the coding strand, the complement: TTC21B is on the minus strand). VCF-style: chr2-165930299-G-C. GRCh37 (hg19) VCF-style: chr2-166786809-G-C.
Other names: short protein forms N320K.
Identifiers: ClinVar variation 261785 (VCV000261785.16), dbSNP rs148866170, ClinGen allele CA1942274.
Genomic context (GRCh38, chr2:165,930,299, plus strand): 5'-AACTCTTCCTTGTAAAATCATTTGGTATCCAAGTTCTGTAGCAAATTCTGATTGCTGAGG[G>C]TTTAAACTAAAAGCTCTCTCAAGTAACGTTTGAATTTTTTGAAGAATAAGTTGACTACGT-3'
Protein context (NP_079029.3, residues 310-330): QTLLERAFSL[Asn320Lys]PQQSEFATEL